The following is an entry in ClinVar:

ClinVar aggregate classification (germline): Uncertain significance (1 of 4 stars; one submission).

Conditions:
Singleton-Merten syndrome 1 (SGMRT1). Also called: Widened medullary cavities of bone, aortic calcification, abnormal dentition, and muscular weakness; Syndrome of widened medullary cavities of the metacarpals and phalanges, aortic calcification and abnormal dentition. Identifiers: Orphanet 85191, MedGen C4225427, MONDO:0024535, OMIM 182250.
Aicardi-Goutieres syndrome 7 (AGS7). Identifiers: Orphanet 51, MedGen C3888244, MONDO:0014367, OMIM 615846.

Allele frequency attached by ClinVar (database versions not stated): gnomAD exomes below 0.00001.
gnomAD v4.1: 1 of 1,609,296 alleles (0.000062%); highest among the groups gnomAD compares: East Asian, 0.0022%; no homozygotes.

Submission:

Labcorp Genetics (formerly Invitae), Labcorp
Classification: Uncertain significance for Aicardi-Goutieres syndrome 7; Singleton-Merten syndrome 1. Last evaluated: 2021-11-08. Review status: criteria provided, single submitter. Criteria: Invitae Variant Classification Sherloc (09022015). Collection method: clinical testing. Allele origin: germline.
Comment: In summary, the available evidence is currently insufficient to determine the role of this variant in disease. Therefore, it has been classified as a Variant of Uncertain Significance. This variant has not been reported in the literature in individuals affected with IFIH1-related conditions. This variant is not present in population databases (gnomAD no frequency). This sequence change creates a premature translational stop signal (p.Ser399*) in the IFIH1 gene. It is expected to result in an absent or disrupted protein product. However, the current clinical and genetic evidence is not sufficient to establish whether loss-of-function variants in IFIH1 cause disease.

NM_022168.4(IFIH1):c.1196C>G (p.Ser399Ter)

Gene: IFIH1 (interferon induced with helicase C domain 1; minus strand). Cytogenetic location: 2q24.2.
Variant type: single nucleotide variant.
Coding change: c.1196C>G on transcript NM_022168.4 (MANE Select); coding-DNA position 1196, C replaced by G.
Protein change: p.Ser399Ter; replaces serine 399 with a stop codon.
Molecular consequence: nonsense.
Genome position (GRCh38, 1-based): chr2:162,282,476, G>C on the plus strand (C>G on the coding strand, the complement: IFIH1 is on the minus strand). VCF-style: chr2-162282476-G-C. GRCh37 (hg19) VCF-style: chr2-163138986-G-C.
Other names: short protein forms S399*.
Identifiers: ClinVar variation 1425037 (VCV001425037.6), dbSNP rs772585139, ClinGen allele CA349002875.